The following is an entry in ClinVar:

ClinVar aggregate classification (germline): Uncertain significance (1 of 4 stars; one submission).

Conditions:
Cardiovascular phenotype. Identifiers: MedGen CN230736.

Submission:

Ambry Genetics
Classification: Uncertain significance for Cardiovascular phenotype. Last evaluated: 2024-11-27. Review status: criteria provided, single submitter. Criteria: Ambry Variant Classification Scheme 2023. Collection method: clinical testing. Allele origin: germline.
Comment: The p.R2399T variant (also known as c.7196G>C), located in coding exon 2 of the ZNF469 gene, results from a G to C substitution at nucleotide position 7196. The arginine at codon 2399 is replaced by threonine, an amino acid with similar properties. This amino acid position is conserved. In addition, this alteration is predicted to be tolerated by in silico analysis. Based on the available evidence, the clinical significance of this variant remains unclear.

NM_001367624.2(ZNF469):c.7280G>C (p.Arg2427Thr)

Gene: ZNF469 (zinc finger protein 469; plus strand). Cytogenetic location: 16q24.2.
Variant type: single nucleotide variant.
Coding change: c.7280G>C on transcript NM_001367624.2 (MANE Select); coding-DNA position 7280, G replaced by C.
Protein change: p.Arg2427Thr; replaces arginine 2427 with threonine.
Molecular consequence: missense variant.
Genome position (GRCh38, 1-based): chr16:88,434,750, G>C. VCF-style: chr16-88434750-G-C. GRCh37 (hg19) VCF-style: chr16-88501158-G-C.
Other names: NM_001127464.1:c.7196G>C; short protein forms R2427T.
Identifiers: ClinVar variation 3476284 (VCV003476284.1).
Genomic context (GRCh38, chr16:88,434,750, plus strand): 5'-GAACCACAGCCCCAAGCAGCACAGCCAGTGACTTCCAGTCTGACTCCCCCCAAAGCCACA[G>C]AAATGCCTCCCACCAGACTCCCCAGGGGGACCCCCTCGGCCCCCAAGACCTCAAACAGAG-3'
Protein context (NP_001354553.1, residues 2417-2437): DFQSDSPQSH[Arg2427Thr]NASHQTPQGD